The following is an entry in ClinVar:

NM_000038.6(APC):c.4562A>C (p.Glu1521Ala)

Gene: APC (APC regulator of Wnt signaling pathway; plus strand). Cytogenetic location: 5q22.2.
Variant type: single nucleotide variant.
Coding change: c.4562A>C on transcript NM_000038.6 (MANE Select); coding-DNA position 4562, A replaced by C.
Protein change: p.Glu1521Ala; replaces glutamic acid 1521 with alanine.
Molecular consequence: missense variant.
Genome position (GRCh38, 1-based): chr5:112,840,156, A>C. VCF-style: chr5-112840156-A-C. GRCh37 (hg19) VCF-style: chr5-112175853-A-C.
Other names: c.4562A>C, p.Glu1521Ala (NM_001127510.3, NM_001354895.2); c.4508A>C, p.Glu1503Ala (NM_001127511.3); c.4616A>C, p.Glu1539Ala (NM_001354896.2); c.4592A>C, p.Glu1531Ala (NM_001354897.2); c.4487A>C, p.Glu1496Ala (NM_001354898.2); c.4478A>C, p.Glu1493Ala (NM_001354899.2); c.4439A>C, p.Glu1480Ala (NM_001354900.2); c.4385A>C, p.Glu1462Ala (NM_001354901.2); and 5 more; short protein forms E1238A, E1493A, E1521A, E1361A, E1480A, E1496A, E1503A, E1531A.
Identifiers: ClinVar variation 834441 (VCV000834441.11), dbSNP rs1765709676, ClinGen allele CA16031318.

ClinVar aggregate classification (germline): Uncertain significance (1 of 4 stars; one submission).

Conditions:
Familial adenomatous polyposis 1 (FAP1). Also called: POLYPOSIS, ADENOMATOUS INTESTINAL; FAMILIAL ADENOMATOUS POLYPOSIS 1, ATTENUATED. Identifiers: MedGen C2713442, MONDO:0021056, OMIM 175100. Disease mechanism: loss of function.

Submission:

Labcorp Genetics (formerly Invitae), Labcorp
Classification: Uncertain significance for Familial adenomatous polyposis 1. Last evaluated: 2024-07-25. Review status: criteria provided, single submitter. Criteria: Invitae Variant Classification Sherloc (09022015). Collection method: clinical testing. Allele origin: germline.
Comment: This sequence change replaces glutamic acid, which is acidic and polar, with alanine, which is neutral and non-polar, at codon 1521 of the APC protein (p.Glu1521Ala). This variant is not present in population databases (gnomAD no frequency). This variant has not been reported in the literature in individuals affected with APC-related conditions. ClinVar contains an entry for this variant (Variation ID: 834441). Advanced modeling of protein sequence and biophysical properties (such as structural, functional, and spatial information, amino acid conservation, physicochemical variation, residue mobility, and thermodynamic stability) performed at Invitae indicates that this missense variant is not expected to disrupt APC protein function with a negative predictive value of 95%. In summary, the available evidence is currently insufficient to determine the role of this variant in disease. Therefore, it has been classified as a Variant of Uncertain Significance.